The following is an entry in ClinVar:

ClinVar aggregate classification (germline): Likely pathogenic (1 of 4 stars; one submission).

Conditions:
Autosomal recessive limb-girdle muscular dystrophy type 2J (LGMDR10). Also called: Limb-girdle muscular dystrophy, type 2J; MUSCULAR DYSTROPHY, LIMB-GIRDLE, AUTOSOMAL RECESSIVE 10. Identifiers: Orphanet 140922, MedGen C1837342, MONDO:0012127, OMIM 608807.
Dilated cardiomyopathy 1G (CMD1G). Identifiers: Orphanet 154, MedGen C1858763, MONDO:0011400, OMIM 604145.

Submission:

Labcorp Genetics (formerly Invitae), Labcorp
Classification: Likely pathogenic for Dilated cardiomyopathy 1G; Autosomal recessive limb-girdle muscular dystrophy type 2J. Last evaluated: 2017-12-21. Review status: criteria provided, single submitter. Criteria: Invitae Variant Classification Sherloc (09022015). Collection method: clinical testing. Allele origin: germline.
Comment: In summary, the currently available evidence indicates that the variant is pathogenic, but additional data are needed to prove that conclusively. Therefore, this variant has been classified as Likely Pathogenic. This variant is found in the A-band of this gene. While this particular variant has not been reported in the literature, truncating variants in the A-band of TTN are significantly overrepresented in patients with dilated cardiomyopathy and are considered to be likely pathogenic for the disease (PMID: 25589632). This variant is not present in population databases (ExAC no frequency). This sequence change results in a premature translational stop signal in the TTN gene (p.Leu19013Thrfs*14). It is expected to expected to result in a disrupted protein product.

Literature cited by the submitters: PubMed 25589632.

NM_001267550.2(TTN):c.57035dup (p.Leu19013fs)

Genes: TTN-AS1 (TTN antisense RNA 1; plus strand), TTN (titin; minus strand). Cytogenetic location: 2q31.2.
Variant type: Duplication.
Coding change: c.57035dup on transcript NM_001267550.2 (MANE Select); coding-DNA position 57035, one base duplicated (C; older notation c.57035dupC).
Protein change: p.Leu19013fs; shifts the reading frame from leucine 19013.
Molecular consequence: frameshift variant. On other transcripts: non-coding transcript variant (1).
Genome position (GRCh38, 1-based): chr2:178,598,582, G duplicated on the plus strand (C on the coding strand, the reverse complement: TTN is on the minus strand); the first of 5 consecutive G bases (chr2:178,598,582-178,598,586); duplicating any one gives the same sequence. VCF-style (leftmost placement, unchanged base first): chr2-178598581-T-TG. GRCh37 (hg19) VCF-style: chr2-179463308-T-TG.
Other names: c.52112dup, p.Leu17372fs (NM_001256850.1); c.29840dup, p.Leu9948fs (NM_003319.4); c.49331dup, p.Leu16445fs (NM_133378.4); c.30215dup, p.Leu10073fs (NM_133432.3); c.30416dup, p.Leu10140fs (NM_133437.4); c.57035dupC (NM_001267550.2); short protein forms L9948fs, L10073fs, L10140fs, L16445fs, L17372fs, L19013fs.
Identifiers: ClinVar variation 534967 (VCV000534967.9), dbSNP rs1553662457, ClinGen allele CA658796048.